The following is an entry in ClinVar:

ClinVar aggregate classification (germline): Pathogenic (1 of 4 stars; one submission).

Conditions:
Sandhoff disease. Also called: Beta-hexosaminidase-beta-subunit deficiency; GM2 gangliosidosis, type 2; Total hexosaminidase deficiency; Sandhoff-Jatzkewitz-Pilz disease; GM2-GANGLIOSIDOSIS, TYPE II; HEXOSAMINIDASES A AND B DEFICIENCY. Identifiers: Orphanet 796, MedGen C0036161, MONDO:0010006, OMIM 268800.

Allele frequency attached by ClinVar (database versions not stated): gnomAD exomes below 0.00001; ExAC 0.00001.

Submission:

Labcorp Genetics (formerly Invitae), Labcorp
Classification: Pathogenic for Sandhoff disease. Last evaluated: 2023-05-14. Review status: criteria provided, single submitter. Criteria: Invitae Variant Classification Sherloc (09022015). Collection method: clinical testing. Allele origin: germline.
Comment: This sequence change creates a premature translational stop signal (p.Pro430Asnfs*12) in the HEXB gene. It is expected to result in an absent or disrupted protein product. Loss-of-function variants in HEXB are known to be pathogenic (PMID: 7550345, 18758829). This variant is present in population databases (rs770417825, gnomAD 0.0009%). This premature translational stop signal has been observed in individual(s) with clinical features of HEXB-related conditions (PMID: 35186388). Algorithms developed to predict the effect of sequence changes on RNA splicing suggest that this variant may disrupt the consensus splice site. For these reasons, this variant has been classified as Pathogenic.

Literature cited by the submitters: PubMed 7550345; PubMed 18758829; PubMed 35186388.

NM_000521.4(HEXB):c.1288_1294del (p.Pro430fs)

Gene: HEXB (hexosaminidase subunit beta; plus strand). Cytogenetic location: 5q13.3.
Variant type: Deletion.
Coding change: c.1288_1294del on transcript NM_000521.4 (MANE Select); coding-DNA positions 1288 to 1294, 7 bases deleted (CCTGAGG; older notation c.1288_1294delCCTGAGG).
Protein change: p.Pro430fs; shifts the reading frame from proline 430.
Molecular consequence: frameshift variant.
Genome position (GRCh38, 1-based): chr5:74,718,842-74,718,848, CCTGAGG deleted. VCF-style (leftmost placement, unchanged base first): chr5-74718841-TCCTGAGG-T. GRCh37 (hg19) VCF-style: chr5-74014666-TCCTGAGG-T.
Other names: c.613_619del, p.Pro205fs (NM_001292004.2); short protein forms P430fs, P205fs.
Identifiers: ClinVar variation 2837841 (VCV002837841.3), dbSNP rs770417825, ClinGen allele CA3306101.
Genomic context (GRCh38, chr5:74,718,841, plus strand): 5'-TTTGTAACGTTAATAGCTTGCGCCGGGCACAATAGTTGAAGTATGGAAAGACAGCGCATA[TCCTGAGG>T]AACTCAGTAGAGTCACAGCATCTGGCTTCCCTGTAATCCTTTCTGCTCCTTGGTACTTAG-3'